The following is an entry in ClinVar:

ClinVar aggregate classification (germline): Likely benign. Review status: criteria provided, multiple submitters, no conflicts (2 of 4 stars). 4 submissions from 4 submitters: Likely benign (3). 1 of the submissions does not count toward it. Last evaluated 2025-10-07.

Conditions:
PCNT-related disorder. Also called: PCNT-related condition.

Allele frequency attached by ClinVar (database versions not stated): gnomAD 0.00002; TOPMed 0.00002; gnomAD exomes 0.00008; ExAC 0.00010.
gnomAD v4.1: 114 of 1,611,644 alleles (0.0071%); highest among the groups gnomAD compares: East Asian, 0.19%; no homozygotes.

Submissions (4):

Labcorp Genetics (formerly Invitae), Labcorp
Classification: Likely benign. Last evaluated: 2025-10-07. Review status: criteria provided, single submitter. Criteria: Invitae Variant Classification Sherloc (09022015). Collection method: clinical testing. Allele origin: germline.

CeGaT Center for Human Genetics Tuebingen
Classification: Likely benign. Last evaluated: 2025-07-01. Review status: criteria provided, single submitter. Criteria: CeGaT Center For Human Genetics Tuebingen Variant Classification Criteria Version 2. Collection method: clinical testing. Allele origin: germline. Affected: yes. Observed: 1 variant allele.
Comment: PCNT: BP4, BP7

Blueprint Genetics
Classification: Likely benign. Last evaluated: 2024-11-12. Review status: criteria provided, single submitter. Criteria: ACMG Guidelines, 2015. Collection method: clinical testing. Allele origin: germline.

PreventionGenetics, part of Exact Sciences
Classification: Likely benign for PCNT-related condition. Last evaluated: 2021-12-22. Review status: no assertion criteria provided. Collection method: clinical testing. Allele origin: germline. Not counted in ClinVar's aggregate classification.
Comment: This variant is classified as likely benign based on ACMG/AMP sequence variant interpretation guidelines (Richards et al. 2015 PMID: 25741868, with internal and published modifications).

NM_006031.6(PCNT):c.5667C>T (p.Ala1889=)

Gene: PCNT (pericentrin; plus strand). Cytogenetic location: 21q22.3.
Variant type: single nucleotide variant.
Coding change: c.5667C>T on transcript NM_006031.6 (MANE Select); coding-DNA position 5667, C replaced by T.
Protein change: p.Ala1889=; no amino-acid change (alanine 1889 retained).
Molecular consequence: synonymous variant.
Genome position (GRCh38, 1-based): chr21:46,411,740, C>T. VCF-style: chr21-46411740-C-T. GRCh37 (hg19) VCF-style: chr21-47831654-C-T.
Other names: c.5313C>T, p.Ala1771= (NM_001315529.2); c.5667C>T (NM_006031.5).
Identifiers: ClinVar variation 2168713 (VCV002168713.15), dbSNP rs769106161, ClinGen allele CA10080054.